The following is an entry in ClinVar:

ClinVar aggregate classification (germline): Likely benign (1 of 4 stars; one submission).

Conditions:
Leigh syndrome (NULS). Also called: Leigh's necrotizing encephalopathy; Leigh's disease; Leigh Syndrome (mtDNA deletion); Leigh Disease; Subacute necrotizing encephalopathy; Necrotizing encephalopathy infantile subacute of Leigh. Identifiers: Orphanet 506, MedGen C2931891, MONDO:0009723, OMIM 256000.

Submission:

Wong Mito Lab, Molecular and Human Genetics, Baylor College of Medicine
Classification: Likely benign for Leigh syndrome. Last evaluated: 2019-10-17. Review status: criteria provided, single submitter. Criteria: Modified ACMG Guidelines (Unpublished). Collection method: clinical testing. Allele origin: germline.
Comment: The NC_012920.1:m.8888T>C (YP_003024031.1:p.Ile121Thr) variant in MTATP6 gene is interpretated to be a Likely Benign variant based on the modified ACMG guidelines (unpublished). This variant meets the following evidence codes: BS1, BP4

NC_012920.1(MT-ATP6):m.8888T>C

Gene: MT-ATP6 (mitochondrially encoded ATP synthase 6; plus strand).
Variant type: single nucleotide variant.
Genome position: chrM-8888-T-C.
Identifiers: ClinVar variation 693015 (VCV000693015.1), dbSNP rs1603221880, ClinGen allele CA414798734.